The following is an entry in ClinVar:

ClinVar aggregate classification (germline): Conflicting classifications of pathogenicity. Review status: criteria provided, conflicting classifications (1 of 4 stars). 3 submissions from 3 submitters: Uncertain significance (2); Likely benign (1). Last evaluated 2025-08-07.

Conditions:
Inborn genetic diseases. Identifiers: MedGen C0950123, MeSH D030342.
KBG syndrome (KBGS). Also called: ANKRD11-Related KBG Syndrome. Identifiers: Orphanet 2332, MedGen C0220687, MONDO:0007846, OMIM 148050.

Submissions (3):

GeneDx
Classification: Uncertain significance. Last evaluated: 2025-08-07. Review status: criteria provided, single submitter. Criteria: GeneDx Variant Classification Process June 2021. Collection method: clinical testing. Allele origin: germline. Affected: yes.
Comment: Not observed at significant frequency in large population cohorts (gnomAD); In-frame deletion of 3 amino acids in a non-repeat region; In silico analysis supports a deleterious effect on protein structure/function; Has not been previously published as pathogenic or benign to our knowledge

Labcorp Genetics (formerly Invitae), Labcorp
Classification: Uncertain significance for KBG syndrome. Last evaluated: 2025-07-14. Review status: criteria provided, single submitter. Criteria: Invitae Variant Classification Sherloc (09022015). Collection method: clinical testing. Allele origin: germline.
Comment: This variant, c.2888_2896del, results in the deletion of 3 amino acid(s) of the ANKRD11 protein (p.Asp963_Arg965del), but otherwise preserves the integrity of the reading frame. This variant is present in population databases (rs769651265, gnomAD 0.003%). This variant has not been reported in the literature in individuals affected with ANKRD11-related conditions. ClinVar contains an entry for this variant (Variation ID: 589010). Experimental studies and prediction algorithms are not available or were not evaluated, and the functional significance of this variant is currently unknown. In summary, the available evidence is currently insufficient to determine the role of this variant in disease. Therefore, it has been classified as a Variant of Uncertain Significance.

Ambry Genetics
Classification: Likely benign for Inborn genetic diseases. Last evaluated: 2017-07-26. Review status: criteria provided, single submitter. Criteria: Ambry Variant Classification Scheme 2023. Collection method: clinical testing. Allele origin: germline.

Literature cited by the submitters: PubMed 15955779 (cited by Ambry Genetics); PubMed 26615199 (cited by Ambry Genetics).

NM_013275.6(ANKRD11):c.2888_2896del (p.Asp963_Arg965del)

Gene: ANKRD11 (ankyrin repeat domain 11; minus strand). Cytogenetic location: 16q24.3.
Variant type: Deletion.
Coding change: c.2888_2896del on transcript NM_013275.6 (MANE Select); coding-DNA positions 2888 to 2896, 9 bases deleted (ACGGCAGGG; older notation c.2888_2896delACGGCAGGG).
Protein change: p.Asp963_Arg965del.
Molecular consequence: inframe deletion.
Genome position (GRCh38, 1-based): chr16:89,283,646-89,283,654, CCCTGCCGT deleted on the plus strand (ACGGCAGGG on the coding strand, the reverse complement: ANKRD11 is on the minus strand); deleting any 9 consecutive bases within chr16:89,283,646-89,283,660 gives the same sequence; the c. name uses the placement nearest the transcript's 3' end. VCF-style (leftmost placement, unchanged base first): chr16-89283645-GCCCTGCCGT-G. GRCh37 (hg19) VCF-style: chr16-89350053-GCCCTGCCGT-G.
Other names: c.2888_2896del, p.Asp963_Arg965del (NM_001256182.2, NM_001256183.2).
Identifiers: ClinVar variation 589010 (VCV000589010.11), dbSNP rs769651265, ClinGen allele CA8242481.